The following is an entry in ClinVar:

NM_000027.4(AGA):c.716dup (p.Ile240fs)

Gene: AGA (aspartylglucosaminidase; minus strand). Cytogenetic location: 4q34.3.
Variant type: Duplication.
Coding change: c.716dup on transcript NM_000027.4 (MANE Select); coding-DNA position 716, one base duplicated (C; older notation c.716dupC).
Protein change: p.Ile240fs; shifts the reading frame from isoleucine 240.
Molecular consequence: frameshift variant. On other transcripts: non-coding transcript variant (1).
Genome position (GRCh38, 1-based): chr4:177,434,472, G duplicated on the plus strand (C on the coding strand, the reverse complement: AGA is on the minus strand); the first of 2 consecutive G bases (chr4:177,434,472-177,434,473); duplicating either gives the same sequence. VCF-style (leftmost placement, unchanged base first): chr4-177434471-T-TG. GRCh37 (hg19) VCF-style: chr4-178355625-T-TG.
Other names: c.686dup, p.Ile230fs (NM_001171988.2); short protein forms I230fs, I240fs.
Identifiers: ClinVar variation 4817938 (VCV004817938.1).

ClinVar aggregate classification (germline): Likely pathogenic (1 of 4 stars; one submission).

Conditions:
Aspartylglucosaminuria (AGU). Also called: AGA DEFICIENCY; GLYCOASPARAGINASE; GLYCOSYLASPARAGINASE DEFICIENCY; Aspartylglucos-aminuria; Aspartylglucos-amidase (AGA) deficiency. Identifiers: Orphanet 93, MedGen C0268225, MONDO:0008830, OMIM 208400, HP:0012068.

Submission:

Natera, Inc.
Classification: Likely pathogenic for Aspartylglucosaminuria. Last evaluated: 2025-06-25. Review status: criteria provided, single submitter. Criteria: Natera Variant Classification Schema (03/2026). Collection method: clinical testing. Allele origin: germline.
Comment: The c.716dup variant in AGA is a frameshift variant predicted to shift the reading frame beginning at codon 240 and leads to a stop codon 9 codons downstream. This variant is expected to result in nonsense mediated decay, truncation, or a dysfunctional protein product. This variant is rare in the general population with a frequency below the threshold expected for the associated phenotype(s). Given the available evidence, this variant is classified as Likely Pathogenic.